The following is an entry in ClinVar:

NM_001165963.4(SCN1A):c.5440_5442del (p.Lys1814del)

Genes: SCN1A (sodium voltage-gated channel alpha subunit 1; minus strand), LOC102724058 (uncharacterized LOC102724058; plus strand). Cytogenetic location: 2q24.3.
Variant type: Deletion.
Coding change: c.5440_5442del on transcript NM_001165963.4 (MANE Select); coding-DNA positions 5440 to 5442, 3 bases deleted (AAG; older notation c.5440_5442delAAG).
Protein change: p.Lys1814del; deletes lysine 1814.
Molecular consequence: inframe deletion. On other transcripts: non-coding transcript variant (1).
Genome position (GRCh38, 1-based): chr2:165,991,833-165,991,835, CTT deleted on the plus strand (AAG on the coding strand, the reverse complement: SCN1A is on the minus strand); deleting any 3 consecutive bases within chr2:165,991,833-165,991,837 gives the same sequence; the c. name uses the placement nearest the transcript's 3' end. VCF-style (leftmost placement, unchanged base first): chr2-165991832-ACTT-A. GRCh37 (hg19) VCF-style: chr2-166848342-ACTT-A.
Other names: c.5356_5358del, p.Lys1786del (NM_001165964.3, NM_001353957.2, NM_001353958.2); c.5440_5442del, p.Lys1814del (NM_001202435.3, NM_001353948.2); c.5407_5409del, p.Lys1803del (NM_001353949.2, NM_001353950.2, NM_001353951.2 and 2 more transcripts); c.5404_5406del, p.Lys1802del (NM_001353954.2, NM_001353955.2); c.5353_5355del, p.Lys1785del (NM_001353960.2); c.2998_3000del, p.Lys1000del (NM_001353961.2); short protein forms K1000del, K1802del, K1785del, K1786del, K1814del, K1803del.
Identifiers: ClinVar variation 1512570 (VCV001512570.7), dbSNP rs2105427845, ClinGen allele CA2573133689.

ClinVar aggregate classification (germline): Uncertain significance (1 of 4 stars; one submission).

Conditions:
Early-infantile DEE. Also called: Early infantile epileptic encephalopathy; Early infantile epileptic encephalopathy with suppression bursts; Ohtahara syndrome. Identifiers: Orphanet 1934, MedGen C0393706, MONDO:0800491.

Submission:

Labcorp Genetics (formerly Invitae), Labcorp
Classification: Uncertain significance for Early-infantile DEE. Last evaluated: 2021-10-20. Review status: criteria provided, single submitter. Criteria: Invitae Variant Classification Sherloc (09022015). Collection method: clinical testing. Allele origin: germline.
Comment: In summary, the available evidence is currently insufficient to determine the role of this variant in disease. Therefore, it has been classified as a Variant of Uncertain Significance. Experimental studies and prediction algorithms are not available or were not evaluated, and the functional significance of this variant is currently unknown. This variant has not been reported in the literature in individuals affected with SCN1A-related conditions. This variant is not present in population databases (ExAC no frequency). This variant, c.5440_5442del, results in the deletion of 1 amino acid(s) of the SCN1A protein (p.Lys1814del), but otherwise preserves the integrity of the reading frame.